The following is an entry in ClinVar:

ClinVar aggregate classification (germline): Pathogenic/Likely pathogenic. Review status: criteria provided, multiple submitters, no conflicts (2 of 4 stars). 2 submissions from 2 submitters: Pathogenic (1); Likely pathogenic (1). Last evaluated 2026-09-21.

Conditions:
PKD1L1-related disorder. Also called: PKD1L1-related condition.
Fetal anomalies with a likely genetic cause.

gnomAD v4.1: 3 of 1,614,048 alleles (0.00019%); highest among the groups gnomAD compares: African/African-American, 0.004%; no homozygotes.

Submissions (2):

Genetics Laboratory, Great Ormond Street Hospital NHS Foundation Trust, North Thames Genomic Laboratory Hub
Classification: Pathogenic for Fetal anomalies with a likely genetic cause. Last evaluated: 2026-09-21. Review status: criteria provided, single submitter. Criteria: ACGS Best Practice Guidelines for Variant Classification in Rare Disease 2024 v1.2. Collection method: clinical testing. Allele origin: germline. Affected: yes.
Comment: PM2_moderate, PVS1_very-strong

PreventionGenetics, part of Exact Sciences
Classification: Likely pathogenic for PKD1L1-related condition. Last evaluated: 2026-02-10. Review status: criteria provided, single submitter. Criteria: ACMG Guidelines, 2015. Collection method: clinical testing. Allele origin: germline.
Comment: The PKD1L1 c.5800G>T variant is predicted to result in premature protein termination (p.Glu1934*). To our knowledge, this variant has not been reported in the literature or in a large population database (gnomAD), indicating this variant is rare. Nonsense variants in PKD1L1 are expected to be pathogenic. This variant is interpreted as likely pathogenic.

NM_138295.5(PKD1L1):c.5800G>T (p.Glu1934Ter)

Gene: PKD1L1 (polycystin 1 like 1, transient receptor potential channel interacting; minus strand). Cytogenetic location: 7p12.3.
Variant type: single nucleotide variant.
Coding change: c.5800G>T on transcript NM_138295.5 (MANE Select); coding-DNA position 5800, G replaced by T.
Protein change: p.Glu1934Ter; replaces glutamic acid 1934 with a stop codon.
Molecular consequence: nonsense.
Genome position (GRCh38, 1-based): chr7:47,837,064, C>A on the plus strand (G>T on the coding strand, the complement: PKD1L1 is on the minus strand). VCF-style: chr7-47837064-C-A. GRCh37 (hg19) VCF-style: chr7-47876662-C-A.
Other names: short protein forms E1934*.
Identifiers: ClinVar variation 4986744 (VCV004986744.2).